The following is an entry in ClinVar:

NC_000007.14:g.33126458_33146286dup

Genes: BBS9 (Bardet-Biedl syndrome 9; plus strand), LOC129998226 (ATAC-STARR-seq lymphoblastoid active region 25834; plus strand), LOC129998227 (ATAC-STARR-seq lymphoblastoid silent region 18091; plus strand), LOC129998228 (ATAC-STARR-seq lymphoblastoid active region 25835; plus strand). Cytogenetic location: 7p14.3.
Variant type: Duplication.
Identifiers: ClinVar variation 157046 (VCV000157046.2).

ClinVar aggregate classification (germline): not provided (0 of 4 stars; one submission).

Conditions:
Gestational diabetes mellitus uncontrolled. Identifiers: MedGen C3532257.

Submission:

Institute of Molecular and Cell Biology, University of Tartu
No classification provided. Condition: Gestational diabetes mellitus uncontrolled. Review status: no classification provided. Collection method: case-control. Allele origin: unknown. Affected: yes. Study: Kasak2014.
Comment: The study aimed to determine the contribution of copy number variants in the genetic etiology of normal and complicated pregnancies. The samples represented (i) maternal blood DNA drawn from healthy pregnant women during 1st or 2nd trimester and (ii) maternal and paternal blood DNA drawn at term pregnancy cases representing normal and complicated gestations (severe preeclampsia, PE; gestational diabetes, GD; small-for-gestational age newborn, SGA; large-for-gestational age newborn, LGA). We performed CNV calling based on genome-wide genotyping dataset (Illumina HumanOmniExpress-24-v1 BeadChip) by applying three algorithms, QuantiSNP, GADA (Genome Alteration Detection Algorithm) and CNstream in parallel. The acquired CNV calls were merged with HD-CNV (Hotspot Detector for Copy Number Variants) program and only the CNVs predicted by at least two programs, were considered in subsequent analysis.

Literature cited by the submitters: PubMed 25666259.